The following is an entry in ClinVar:

NM_153240.5(NPHP3):c.1817G>T (p.Trp606Leu)

Genes: NPHP3 (nephrocystin 3; minus strand), NPHP3-ACAD11 (NPHP3-ACAD11 readthrough (NMD candidate); minus strand). Cytogenetic location: 3q22.1.
Variant type: single nucleotide variant.
Coding change: c.1817G>T on transcript NM_153240.5 (MANE Select); coding-DNA position 1817, G replaced by T.
Protein change: p.Trp606Leu; replaces tryptophan 606 with leucine.
Molecular consequence: missense variant. On other transcripts: non-coding transcript variant (1).
Genome position (GRCh38, 1-based): chr3:132,699,988, C>A on the plus strand (G>T on the coding strand, the complement: NPHP3 is on the minus strand). VCF-style: chr3-132699988-C-A. GRCh37 (hg19) VCF-style: chr3-132418832-C-A.
Other names: short protein forms W606L.
Identifiers: ClinVar variation 2415519 (VCV002415519.6), dbSNP rs182135982, ClinGen allele CA2622196.

ClinVar aggregate classification (germline): Uncertain significance (1 of 4 stars; one submission).

Conditions:
Nephronophthisis. Also called: Juvenile Nephronophthisis. Identifiers: Orphanet 655, MedGen C0687120, MONDO:0019005, HP:0000090.

Allele frequency attached by ClinVar (database versions not stated): 1000 Genomes Project 30x 0.00016.
gnomAD v4.1: 5 of 1,614,044 alleles (0.00031%); highest among the groups gnomAD compares: East Asian, 0.011%; no homozygotes.

Submission:

Labcorp Genetics (formerly Invitae), Labcorp
Classification: Uncertain significance for Nephronophthisis. Last evaluated: 2022-03-21. Review status: criteria provided, single submitter. Criteria: Invitae Variant Classification Sherloc (09022015). Collection method: clinical testing. Allele origin: germline.
Comment: This sequence change replaces tryptophan, which is neutral and slightly polar, with leucine, which is neutral and non-polar, at codon 606 of the NPHP3 protein (p.Trp606Leu). This variant is present in population databases (rs182135982, gnomAD 0.02%). This variant has not been reported in the literature in individuals affected with NPHP3-related conditions. Algorithms developed to predict the effect of missense changes on protein structure and function are either unavailable or do not agree on the potential impact of this missense change (SIFT: "Deleterious"; PolyPhen-2: "Possibly Damaging"; Align-GVGD: "Class C0"). In summary, the available evidence is currently insufficient to determine the role of this variant in disease. Therefore, it has been classified as a Variant of Uncertain Significance.